The following is an entry in ClinVar:

ClinVar aggregate classification (germline): Uncertain significance. Review status: criteria provided, multiple submitters, no conflicts (2 of 4 stars). 2 submissions from 2 submitters: Uncertain significance (2). Last evaluated 2025-08-06.

Conditions:
Inborn genetic diseases. Identifiers: MedGen C0950123, MeSH D030342.

gnomAD v4.1: 152 of 1,613,810 alleles (0.0094%); highest among the groups gnomAD compares: South Asian, 0.022%; no homozygotes.

Submissions (2):

Ambry Genetics
Classification: Uncertain significance for Inborn genetic diseases. Last evaluated: 2025-08-06. Review status: criteria provided, single submitter. Criteria: Ambry Variant Classification Scheme 2023. Collection method: clinical testing. Allele origin: germline.

Women's Health and Genetics/Laboratory Corporation of America, LabCorp
Classification: Uncertain significance. Last evaluated: 2024-08-06. Review status: criteria provided, single submitter. Criteria: LabCorp Variant Classification Summary - May 2015. Collection method: clinical testing. Allele origin: germline.
Comment: Variant summary: ANO6 c.2584C>T (p.Arg862Cys) results in a non-conservative amino acid change located in the Anoctamin, transmembrane domain (IPR049452) of the encoded protein sequence. Three of five in-silico tools predict a benign effect of the variant on protein function. The variant allele was found at a frequency of 0.00018 in 250294 control chromosomes. This frequency is not significantly higher than estimated for a pathogenic variant in ANO6 causing Scott Syndrome, allowing no conclusion about variant significance. To our knowledge, no occurrence of c.2584C>T in individuals affected with Scott Syndrome and no experimental evidence demonstrating its impact on protein function have been reported. No submitters have cited clinical-significance assessments for this variant to ClinVar. Based on the evidence outlined above, the variant was classified as uncertain significance.

NM_001025356.3(ANO6):c.2584C>T (p.Arg862Cys)

Gene: ANO6 (anoctamin 6; plus strand). Cytogenetic location: 12q12.
Variant type: single nucleotide variant.
Coding change: c.2584C>T on transcript NM_001025356.3 (MANE Select); coding-DNA position 2584, C replaced by T.
Protein change: p.Arg862Cys; replaces arginine 862 with cysteine.
Molecular consequence: missense variant. On other transcripts: intron variant (1).
Genome position (GRCh38, 1-based): chr12:45,429,162, C>T. VCF-style: chr12-45429162-C-T. GRCh37 (hg19) VCF-style: chr12-45822945-C-T.
Other names: c.2530C>T, p.Arg844Cys (NM_001142678.2); c.2647C>T, p.Arg883Cys (NM_001204803.2); c.2551C>T, p.Arg851Cys (NM_001410973.1); c.2526+6100C>T (NM_001142679.2); c.2584C>T (NM_001025356.2); short protein forms R844C, R851C, R862C, R883C.
Identifiers: ClinVar variation 3366474 (VCV003366474.2).